The following is an entry in ClinVar:

ClinVar aggregate classification (germline): Pathogenic (1 of 4 stars; one submission).

Conditions:
Vissers-Bodmer syndrome. Identifiers: MedGen C5436647, MONDO:0033618, OMIM 619033.

Submission:

Victorian Clinical Genetics Services, Murdoch Childrens Research Institute
Classification: Pathogenic for Vissers-Bodmer syndrome. Last evaluated: 2025-03-20. Review status: criteria provided, single submitter. Criteria: ACMG Guidelines, 2015. Collection method: clinical testing. Allele origin: germline. Affected: yes.
Comment: This variant is classified as Pathogenic. Evidence in support of pathogenic classification: Variant is predicted to cause nonsense-mediated decay (NMD) and loss of protein (premature termination codon is located at least 54 nucleotides upstream of the final exon-exon junction); Variant is absent from gnomAD (v2, v3 and v4); Other NMD-predicted variant(s) comparable to the one identified in this case have very strong previous evidence for pathogenicity. Multiple NMD-predicted variants have been classified as likely pathogenic or pathogenic by clinical laboratories (ClinVar). NMD-predicted variants have been reported in individuals who present with a clinical spectrum of intellectual disability, motor delay, speech delay, seizures, hypotonia, and behavioural problems (PMID: 32553196). Additional information: This variant is heterozygous; This gene is associated with autosomal dominant disease (OMIM); This variant has no previous evidence of pathogenicity; No published segregation evidence has been identified for this variant; No published functional evidence has been identified for this variant; Loss of function is a known mechanism of disease in this gene and is associated with Vissers-Bodmer syndrome (MIM#619033); Variants in this gene are known to have variable expressivity (PMID: 32553196).

Literature cited by the submitters: PubMed 32553196.

NM_016284.5(CNOT1):c.6959G>A (p.Trp2320Ter)

Genes: SETD6 (SET domain containing 6, protein lysine methyltransferase; plus strand), CNOT1 (CCR4-NOT transcription complex subunit 1; minus strand). Cytogenetic location: 16q21.
Variant type: single nucleotide variant.
Coding change: c.6959G>A on transcript NM_016284.5 (MANE Select); coding-DNA position 6959, G replaced by A.
Protein change: p.Trp2320Ter; replaces tryptophan 2320 with a stop codon.
Molecular consequence: nonsense. On other transcripts: non-coding transcript variant (1), 3 prime UTR variant (1).
Genome position (GRCh38, 1-based): chr16:58,521,276, C>T on the plus strand (G>A on the coding strand, the complement: CNOT1 is on the minus strand). VCF-style: chr16-58521276-C-T. GRCh37 (hg19) VCF-style: chr16-58555180-C-T.
Other names: c.6944G>A, p.Trp2315Ter (NM_001265612.2); c.*2247C>T (NM_001160305.4); short protein forms W2315*, W2320*.
Identifiers: ClinVar variation 4531616 (VCV004531616.1).